The following is an entry in ClinVar:

ClinVar aggregate classification (germline): Uncertain significance (1 of 4 stars; one submission).

Conditions:
Autosomal recessive ataxia, Beauce type. Also called: ATAXIA, RECESSIVE, OF BEAUCE; Spinocerebellar ataxia, autosomal recessive 8; SYNE1-Related Autosomal Recessive Cerebellar Ataxia; SYNE1 Deficiency. Identifiers: Orphanet 88644, MedGen C1853116, MONDO:0012549, OMIM 610743.
Emery-Dreifuss muscular dystrophy 4, autosomal dominant (EDMD4). Also called: EMERY-DREIFUSS MUSCULAR DYSTROPHY 4 WITH VARIABLE FEATURES. Identifiers: Orphanet 261, MedGen C2751807, MONDO:0013071, OMIM 612998.

Allele frequency attached by ClinVar (database versions not stated): TOPMed below 0.00001.
gnomAD v4.1: 3 of 1,614,196 alleles (0.00019%); highest among the groups gnomAD compares: South Asian, 0.0011%; no homozygotes.

Submission:

Labcorp Genetics (formerly Invitae), Labcorp
Classification: Uncertain significance for Emery-Dreifuss muscular dystrophy 4, autosomal dominant; Autosomal recessive ataxia, Beauce type. Last evaluated: 2022-01-19. Review status: criteria provided, single submitter. Criteria: Invitae Variant Classification Sherloc (09022015). Collection method: clinical testing. Allele origin: germline.
Comment: This sequence change replaces leucine, which is neutral and non-polar, with methionine, which is neutral and non-polar, at codon 1944 of the SYNE1 protein (p.Leu1944Met). In summary, the available evidence is currently insufficient to determine the role of this variant in disease. Therefore, it has been classified as a Variant of Uncertain Significance. Algorithms developed to predict the effect of missense changes on protein structure and function are either unavailable or do not agree on the potential impact of this missense change (SIFT: "Deleterious"; PolyPhen-2: "Probably Damaging"; Align-GVGD: "Class C0"). ClinVar contains an entry for this variant (Variation ID: 1026445). This variant has not been reported in the literature in individuals affected with SYNE1-related conditions. This variant is present in population databases (no rsID available, gnomAD 0.0009%).

NM_182961.4(SYNE1):c.5809C>A (p.Leu1937Met)

Gene: SYNE1 (spectrin repeat containing nuclear envelope protein 1; minus strand). Cytogenetic location: 6q25.2.
Variant type: single nucleotide variant.
Coding change: c.5809C>A on transcript NM_182961.4 (MANE Select); coding-DNA position 5809, C replaced by A.
Protein change: p.Leu1937Met; replaces leucine 1937 with methionine.
Molecular consequence: missense variant.
Genome position (GRCh38, 1-based): chr6:152,416,628, G>T on the plus strand (C>A on the coding strand, the complement: SYNE1 is on the minus strand). VCF-style: chr6-152416628-G-T. GRCh37 (hg19) VCF-style: chr6-152737763-G-T.
Other names: c.5830C>A, p.Leu1944Met (NM_033071.5); short protein forms L1937M, L1944M.
Identifiers: ClinVar variation 1026445 (VCV001026445.8), dbSNP rs1384241452, ClinGen allele CA366132051.